The following is an entry in ClinVar:

ClinVar aggregate classification (germline): Pathogenic/Likely pathogenic. Review status: criteria provided, multiple submitters, no conflicts (2 of 4 stars). 2 submissions from 2 submitters: Pathogenic (1); Likely pathogenic (1). Last evaluated 2025-06-30.

Conditions:
Mucopolysaccharidosis type 1. Also called: IDUA deficiency; MPS I; Mucopolysaccharidosis Type I. Identifiers: Orphanet 579, MedGen C0023786, MONDO:0001586.

Submissions (2):

Natera, Inc.
Classification: Likely pathogenic for Mucopolysaccharidosis type I. Last evaluated: 2025-06-30. Review status: criteria provided, single submitter. Criteria: Natera Variant Classification Schema (03/2026). Collection method: clinical testing. Allele origin: germline.
Comment: The c.1099G>C variant in IDUA is a missense variant predicted to cause substitution of alanine to proline at amino acid 367. This variant is rare in the general population with a frequency below the threshold expected for the associated phenotype(s). This variant has been observed in one or more individuals affected with the associated recessive disease, as either homozygous or compound heterozygous with a second variant (PMID: 27392569, 22112002). This variant has been identified in one or more affected individuals with a phenotype highly consistent with the associated gene (PMID: 27392569, 22112002). Computational prediction algorithms indicate this variant is likely to affect gene or protein function. Given the available evidence, this variant is classified as Likely Pathogenic.

Labcorp Genetics (formerly Invitae), Labcorp
Classification: Pathogenic for Mucopolysaccharidosis type 1. Last evaluated: 2023-10-05. Review status: criteria provided, single submitter. Criteria: Invitae Variant Classification Sherloc (09022015). Collection method: clinical testing. Allele origin: germline.
Comment: This sequence change replaces alanine, which is neutral and non-polar, with proline, which is neutral and non-polar, at codon 367 of the IDUA protein (p.Ala367Pro). This variant is not present in population databases (gnomAD no frequency). This missense change has been observed in individual(s) with IDUA-related conditions (PMID: 22112002, 27392569; Invitae). In at least one individual the data is consistent with being in trans (on the opposite chromosome) from a pathogenic variant. Advanced modeling of protein sequence and biophysical properties (such as structural, functional, and spatial information, amino acid conservation, physicochemical variation, residue mobility, and thermodynamic stability) performed at Invitae indicates that this missense variant is expected to disrupt IDUA protein function. For these reasons, this variant has been classified as Pathogenic.

Literature cited by the submitters: PubMed 27392569 (cited by Natera, Inc. and Labcorp Genetics (formerly Invitae), Labcorp); PubMed 22112002 (cited by Natera, Inc. and Labcorp Genetics (formerly Invitae), Labcorp).

NM_000203.5(IDUA):c.1099G>C (p.Ala367Pro)

Gene: IDUA (alpha-L-iduronidase; plus strand). Cytogenetic location: 4p16.3.
Variant type: single nucleotide variant.
Coding change: c.1099G>C on transcript NM_000203.5 (MANE Select); coding-DNA position 1099, G replaced by C.
Protein change: p.Ala367Pro; replaces alanine 367 with proline.
Molecular consequence: missense variant. On other transcripts: non-coding transcript variant (1).
Genome position (GRCh38, 1-based): chr4:1,002,395, G>C. VCF-style: chr4-1002395-G-C. GRCh37 (hg19) VCF-style: chr4-996183-G-C.
Other names: c.1099G>C (NM_000203.4); c.703G>C, p.Ala235Pro (NM_001363576.1); short protein forms A235P, A367P.
Identifiers: ClinVar variation 2779730 (VCV002779730.4), dbSNP rs751547595, ClinGen allele CA355963327.